The following is an entry in ClinVar:

NM_001329943.3(KIAA0586):c.411-1487A>T

Gene: KIAA0586 (KIAA0586; plus strand). Cytogenetic location: 14q23.1.
Variant type: single nucleotide variant.
Coding change: c.411-1487A>T on transcript NM_001329943.3 (MANE Select); 1487 bases into the intron before coding-DNA position 411, A replaced by T.
Molecular consequence: intron variant. On other transcripts: splice acceptor variant (2).
Genome position (GRCh38, 1-based): chr14:58,441,219, A>T. VCF-style: chr14-58441219-A-T. GRCh37 (hg19) VCF-style: chr14-58907937-A-T.
Other names: c.447-2A>T (NM_001244189.2); c.366-1487A>T (NM_001244190.2); c.156-2A>T (NM_001244192.2); c.156-1487A>T (NM_001244191.2, NM_001364701.2, NM_001329945.2 and 1 more transcripts); c.411-1487A>T (NM_001329944.2, NM_001329946.2, NM_001329947.2 and 1 more transcripts); c.-11+1439A>T (NM_001244193.2).
Identifiers: ClinVar variation 3752514 (VCV003752514.2).

ClinVar aggregate classification (germline): Likely pathogenic (1 of 4 stars; one submission).

Conditions:
Short-rib thoracic dysplasia 14 with polydactyly (SRTD14). Identifiers: Orphanet 397715, MedGen C4225286, MONDO:0014688, OMIM 616546.
Joubert syndrome 23 (JBTS23). Identifiers: Orphanet 475, MedGen C4084822, MONDO:0014664, OMIM 616490.

Submission:

Labcorp Genetics (formerly Invitae), Labcorp
Classification: Likely pathogenic for Joubert syndrome 23; Short-rib thoracic dysplasia 14 with polydactyly. Last evaluated: 2024-04-05. Review status: criteria provided, single submitter. Criteria: Invitae Variant Classification Sherloc (09022015). Collection method: clinical testing. Allele origin: germline.
Comment: This sequence change affects an acceptor splice site in intron 5 of the KIAA0586 gene. It is expected to disrupt RNA splicing. Variants that disrupt the donor or acceptor splice site typically lead to a loss of protein function (PMID: 16199547), and loss-of-function variants in KIAA0586 are known to be pathogenic (PMID: 26096313, 26166481, 26386044). The frequency data for this variant in the population databases is considered unreliable, as metrics indicate insufficient coverage at this position in the gnomAD database. This variant has not been reported in the literature in individuals affected with KIAA0586-related conditions. Algorithms developed to predict the effect of sequence changes on RNA splicing suggest that this variant may create or strengthen a splice site. In summary, the currently available evidence indicates that the variant is pathogenic, but additional data are needed to prove that conclusively. Therefore, this variant has been classified as Likely Pathogenic.

Literature cited by the submitters: PubMed 16199547; PubMed 26096313; PubMed 26166481; PubMed 26386044.